The following is an entry in ClinVar:

NM_020376.4(PNPLA2):c.731A>G (p.Asp244Gly)

Gene: PNPLA2 (patatin like domain 2, triacylglycerol lipase; plus strand). Cytogenetic location: 11p15.5.
Variant type: single nucleotide variant.
Coding change: c.731A>G on transcript NM_020376.4 (MANE Select); coding-DNA position 731, A replaced by G.
Protein change: p.Asp244Gly; replaces aspartic acid 244 with glycine.
Molecular consequence: missense variant.
Genome position (GRCh38, 1-based): chr11:823,561, A>G. VCF-style: chr11-823561-A-G. GRCh37 (hg19) VCF-style: chr11-823561-A-G.
Other names: short protein forms D244G.
Identifiers: ClinVar variation 931987 (VCV000931987.3), dbSNP rs1845738645, ClinGen allele CA378980894.

ClinVar aggregate classification (germline): Uncertain significance (1 of 4 stars; one submission).

Conditions:
Neutral lipid storage myopathy (NLSDM). Also called: NEUTRAL LIPID STORAGE DISEASE WITHOUT ICHTHYOSIS. Identifiers: Orphanet 98908, MedGen C1853136, MONDO:0012545, OMIM 610717.

Allele frequency attached by ClinVar (database versions not stated): gnomAD exomes below 0.00001.
gnomAD v4.1: 1 of 1,575,250 alleles (0.000063%); highest among the groups gnomAD compares: Non-Finnish European, 0.000086%; no homozygotes.

Submission:

Centre for Mendelian Genomics, University Medical Centre Ljubljana
Classification: Uncertain significance for Neutral lipid storage myopathy. Last evaluated: 2019-11-19. Review status: criteria provided, single submitter. Criteria: ACMG Guidelines, 2015. Collection method: clinical testing. Allele origin: unknown. Affected: yes.
Comment: This variant was classified as: Uncertain significance. The available evidence on this variant's pathogenicity is insufficient or conflicting. The following ACMG criteria were applied in classifying this variant: PM2,PP3.